The following is an entry in ClinVar:

ClinVar aggregate classification (germline): Uncertain significance (1 of 4 stars; one submission).

Conditions:
Long QT syndrome (LQTS). Identifiers: MedGen C0023976, MeSH D008133, MONDO:0002442. Disease mechanism: loss of function. Inheritance: Various modes of inheritance.

gnomAD v4.1: 1 of 1,558,502 alleles (0.000064%); highest among the groups gnomAD compares: Non-Finnish European, 0.000087%; no homozygotes.

Submission:

Labcorp Genetics (formerly Invitae), Labcorp
Classification: Uncertain significance for Long QT syndrome. Last evaluated: 2025-02-20. Review status: criteria provided, single submitter. Criteria: Invitae Variant Classification Sherloc (09022015). Collection method: clinical testing. Allele origin: germline.
Comment: This sequence change replaces alanine, which is neutral and non-polar, with glutamic acid, which is acidic and polar, at codon 532 of the KCNQ1 protein (p.Ala532Glu). This variant is not present in population databases (gnomAD no frequency). This missense change has been observed in individual(s) with Long QT Syndrome (PMID: 26669661). Invitae Evidence Modeling of protein sequence and biophysical properties (such as structural, functional, and spatial information, amino acid conservation, physicochemical variation, residue mobility, and thermodynamic stability) indicates that this missense variant is expected to disrupt KCNQ1 protein function with a positive predictive value of 95%. In summary, the available evidence is currently insufficient to determine the role of this variant in disease. Therefore, it has been classified as a Variant of Uncertain Significance.

Literature cited by the submitters: PubMed 26669661.

NM_000218.3(KCNQ1):c.1595C>A (p.Ala532Glu)

Gene: KCNQ1 (potassium voltage-gated channel subfamily Q member 1; plus strand). Cytogenetic location: 11p15.5.
Variant type: single nucleotide variant.
Coding change: c.1595C>A on transcript NM_000218.3 (MANE Select); coding-DNA position 1595, C replaced by A.
Protein change: p.Ala532Glu; replaces alanine 532 with glutamic acid.
Molecular consequence: missense variant.
Genome position (GRCh38, 1-based): chr11:2,775,964, C>A. VCF-style: chr11-2775964-C-A. GRCh37 (hg19) VCF-style: chr11-2797194-C-A.
Other names: c.1499C>A, p.Ala500Glu (NM_001406836.1); c.1325C>A, p.Ala442Glu (NM_001406837.1); c.1055C>A, p.Ala352Glu (NM_001406838.1); c.1214C>A, p.Ala405Glu (NM_181798.2); short protein forms A352E, A405E, A442E, A500E, A532E.
Identifiers: ClinVar variation 4709787 (VCV004709787.1).
Genomic context (GRCh38, chr11:2,775,964, plus strand): 5'-AGCCACATGGCTGGGGCACAGGGAGGAGAAGTGATGCGTGTCTTTTTGTCCCGCAGCAAG[C>A]GCGGAAGCCTTACGATGTGCGGGACGTCATTGAGCAGTACTCGCAGGGCCACCTCAACCT-3'
Protein context (NP_000209.2, residues 522-542): YFVAKKKFQQ[Ala532Glu]RKPYDVRDVI